The following is an entry in ClinVar:

NM_177438.3(DICER1):c.3085_3093+8del

Gene: DICER1 (dicer 1, ribonuclease III; minus strand). Cytogenetic location: 14q32.13.
Variant type: Deletion.
Coding change: c.3085_3093+8del on transcript NM_177438.3 (MANE Select); coding-DNA position 3085 through 8 bases into the intron after coding-DNA position 3093, 17 bases deleted (AATAAACAGGTAATGAG).
Molecular consequence: splice donor variant.
Genome position (GRCh38, 1-based): chr14:95,105,670-95,105,686, CTCATTACCTGTTTATT deleted on the plus strand (AATAAACAGGTAATGAG on the coding strand, the reverse complement: DICER1 is on the minus strand); deleting any 17 consecutive bases within chr14:95,105,670-95,105,688 gives the same sequence; the c. name uses the placement nearest the transcript's 3' end. VCF-style (leftmost placement, unchanged base first): chr14-95105669-ACTCATTACCTGTTTATT-A. GRCh37 (hg19) VCF-style: chr14-95572006-ACTCATTACCTGTTTATT-A.
Other names: c.3085_3093+8del (NM_001291628.2, NM_030621.4, NM_001271282.3 and 1 more transcripts).
Identifiers: ClinVar variation 1068234 (VCV001068234.8), dbSNP rs2139994024, ClinGen allele CA2499222804.

ClinVar aggregate classification (germline): Likely pathogenic (1 of 4 stars; one submission).

Conditions:
DICER1-related tumor predisposition. Also called: DICER1-related pleuropulmonary blastoma cancer predisposition syndrome; DICER1 syndrome. Identifiers: Orphanet 284343, MedGen C3839822, MONDO:0100216.

Submission:

Labcorp Genetics (formerly Invitae), Labcorp
Classification: Likely pathogenic for DICER1-related tumor predisposition. Last evaluated: 2020-08-06. Review status: criteria provided, single submitter. Criteria: Invitae Variant Classification Sherloc (09022015). Collection method: clinical testing. Allele origin: germline.
Comment: In summary, the currently available evidence indicates that the variant is pathogenic, but additional data are needed to prove that conclusively. Therefore, this variant has been classified as Likely Pathogenic. Loss-of-function variants in DICER1 are known to be pathogenic (PMID: 19556464, 21266384). Algorithms developed to predict the effect of sequence changes on RNA splicing suggest that this variant may disrupt the consensus splice site, but this prediction has not been confirmed by published transcriptional studies. This variant has not been reported in the literature in individuals with DICER1-related conditions. This variant is not present in population databases (ExAC no frequency). This variant results in the deletion of part of exon 19 (c.3085_3093+8del) of the DICER1 gene. It is expected to disrupt RNA splicing and likely results in an absent or disrupted protein product.

Literature cited by the submitters: PubMed 19556464; PubMed 21266384.